The following is an entry in ClinVar:

NM_003797.5(EED):c.78C>T (p.Asp26=)

Gene: EED (embryonic ectoderm development; plus strand). Cytogenetic location: 11q14.2.
Variant type: single nucleotide variant.
Coding change: c.78C>T on transcript NM_003797.5 (MANE Select); coding-DNA position 78, C replaced by T.
Protein change: p.Asp26=; no amino-acid change (aspartic acid 26 retained).
Molecular consequence: synonymous variant.
Genome position (GRCh38, 1-based): chr11:86,245,307, C>T. VCF-style: chr11-86245307-C-T. GRCh37 (hg19) VCF-style: chr11-85956349-C-T.
Other names: c.78C>T, p.Asp26= (NM_001308007.2, NM_001330334.2); c.78C>T (NM_003797.4).
Identifiers: ClinVar variation 1130122 (VCV001130122.11), dbSNP rs140683797, ClinGen allele CA6216309.

ClinVar aggregate classification (germline): Likely benign. Review status: criteria provided, multiple submitters, no conflicts (2 of 4 stars). 3 submissions from 3 submitters: Likely benign (3). Last evaluated 2024-12-31.

Conditions:
Cohen-Gibson syndrome (COGIS). Also called: EED-Related Overgrowth. Identifiers: Orphanet 659396, MedGen C4479654, MONDO:0060510, OMIM 617561.
EED-related disorder. Also called: EED-related condition.

Allele frequency attached by ClinVar (database versions not stated): ExAC 0.00003; gnomAD exomes 0.00003; gnomAD 0.00007 and 0.00008; ESP Exome Variant Server 0.00008; TOPMed 0.00018.
gnomAD v4.1: 30 of 1,613,248 alleles (0.0019%); highest among the groups gnomAD compares: African/African-American, 0.032%; no homozygotes.

Submissions (3):

PreventionGenetics, part of Exact Sciences
Classification: Likely benign for EED-related condition. Last evaluated: 2024-12-31. Review status: criteria provided, single submitter. Criteria: ACMG Guidelines, 2015. Collection method: clinical testing. Allele origin: germline.
Comment: This variant is classified as likely benign based on ACMG/AMP sequence variant interpretation guidelines (Richards et al. 2015 PMID: 25741868, with internal and published modifications).

Labcorp Genetics (formerly Invitae), Labcorp
Classification: Likely benign for Cohen-Gibson syndrome. Last evaluated: 2023-12-31. Review status: criteria provided, single submitter. Criteria: Invitae Variant Classification Sherloc (09022015). Collection method: clinical testing. Allele origin: germline.

Breakthrough Genomics
Classification: Likely benign. Review status: criteria provided, single submitter. Criteria: ACMG Guidelines, 2015. Collection method: not provided. Allele origin: germline. Inheritance: Autosomal dominant inheritance. Affected: yes.